The following is an entry in ClinVar:

NM_000136.3(FANCC):c.238A>G (p.Ile80Val)

Gene: FANCC (FA complementation group C; minus strand). Cytogenetic location: 9q22.32.
Variant type: single nucleotide variant.
Coding change: c.238A>G on transcript NM_000136.3 (MANE Select); coding-DNA position 238, A replaced by G.
Protein change: p.Ile80Val; replaces isoleucine 80 with valine.
Molecular consequence: missense variant.
Genome position (GRCh38, 1-based): chr9:95,247,444, T>C on the plus strand (A>G on the coding strand, the complement: FANCC is on the minus strand). VCF-style: chr9-95247444-T-C. GRCh37 (hg19) VCF-style: chr9-98009726-T-C.
Other names: c.238A>G, p.Ile80Val (NM_001243743.2, NM_001243744.2); short protein forms I80V.
Identifiers: ClinVar variation 418186 (VCV000418186.6), dbSNP rs1064793110, ClinGen allele CA16618894.

ClinVar aggregate classification (germline): Conflicting classifications of pathogenicity. Review status: criteria provided, conflicting classifications (1 of 4 stars). 3 submissions from 3 submitters: Uncertain significance (1); Likely benign (1). 1 of the submissions does not count toward it. Last evaluated 2024-04-05.

Conditions:
Fanconi anemia complementation group C (FANCC). Also called: FANCONI PANCYTOPENIA, TYPE 3; FACC; Fanconi anemia, group C; FANCC-Related Fanconi Anemia. Identifiers: Orphanet 84, MedGen C3468041, MONDO:0009213, OMIM 227645.
Hereditary cancer-predisposing syndrome. Also called: Hereditary neoplastic syndrome; Tumor predisposition; Neoplastic Syndromes, Hereditary; Hereditary Cancer Syndrome. Identifiers: Orphanet 140162, MedGen C0027672, MeSH D009386, MONDO:0015356.

Allele frequency attached by ClinVar (database versions not stated): gnomAD 0.00001; TOPMed 0.00001.
gnomAD v4.1: 3 of 1,612,720 alleles (0.00019%); highest among the groups gnomAD compares: Admixed American, 0.0017%; no homozygotes.

Submissions (3):

GeneDx
Classification: Uncertain significance. Last evaluated: 2024-04-05. Review status: criteria provided, single submitter. Criteria: GeneDx Variant Classification Process June 2021. Collection method: clinical testing. Allele origin: germline. Affected: yes.
Comment: Not observed at significant frequency in large population cohorts (gnomAD); In silico analysis indicates that this missense variant does not alter protein structure/function; Has not been previously published as pathogenic or benign to our knowledge; This variant is associated with the following publications: (PMID: Gordon2000[Book])

Ambry Genetics
Classification: Likely benign for Hereditary cancer-predisposing syndrome. Last evaluated: 2024-03-25. Review status: criteria provided, single submitter. Criteria: Ambry Variant Classification Scheme 2023. Collection method: clinical testing. Allele origin: germline.

Natera, Inc.
Classification: Uncertain significance for Fanconi anemia, group C. Last evaluated: 2020-09-16. Review status: no assertion criteria provided. Collection method: clinical testing. Allele origin: germline. Not counted in ClinVar's aggregate classification.